The following is an entry in ClinVar:

NM_001270974.2(HYDIN):c.11344G>A (p.Val3782Ile)

Gene: HYDIN (HYDIN axonemal central pair apparatus protein; minus strand). Cytogenetic location: 16q22.2.
Variant type: single nucleotide variant.
Coding change: c.11344G>A on transcript NM_001270974.2 (MANE Select); coding-DNA position 11344, G replaced by A.
Protein change: p.Val3782Ile; replaces valine 3782 with isoleucine.
Molecular consequence: missense variant.
Genome position (GRCh38, 1-based): chr16:70,866,296, C>T on the plus strand (G>A on the coding strand, the complement: HYDIN is on the minus strand). VCF-style: chr16-70866296-C-T. GRCh37 (hg19) VCF-style: chr16-70900199-C-T.
Other names: short protein forms V3782I.
Identifiers: ClinVar variation 4083740 (VCV004083740.9).

ClinVar aggregate classification (germline): Likely benign. Review status: criteria provided, multiple submitters, no conflicts (2 of 4 stars). 2 submissions from 2 submitters: Likely benign (2). Last evaluated 2025-07-01.

gnomAD v4.1: 2,040 of 1,304,910 alleles (0.16%); highest among the groups gnomAD compares: Middle Eastern, 0.66%; 8 homozygotes.

Submissions (2):

CeGaT Center for Human Genetics Tuebingen
Classification: Likely benign. Last evaluated: 2025-07-01. Review status: criteria provided, single submitter. Criteria: CeGaT Center For Human Genetics Tuebingen Variant Classification Criteria Version 2. Collection method: clinical testing. Allele origin: germline. Affected: yes. Observed: 1 variant allele.
Comment: HYDIN: BP4, BS2

Blueprint Genetics
Classification: Likely benign. Last evaluated: 2024-11-27. Review status: criteria provided, single submitter. Criteria: ACMG Guidelines, 2015. Collection method: clinical testing. Allele origin: germline.